The following is an entry in ClinVar:

ClinVar aggregate classification (germline): Uncertain significance (1 of 4 stars; one submission).

Conditions:
Hypertrophic cardiomyopathy 19. Also called: Familial hypertrophic cardiomyopathy 19. Identifiers: MedGen CN077603, MONDO:0013476.

gnomAD v4.1: 3 of 1,614,030 alleles (0.00019%); highest among the groups gnomAD compares: South Asian, 0.0022%; no homozygotes.

Submission:

Labcorp Genetics (formerly Invitae), Labcorp
Classification: Uncertain significance for Hypertrophic cardiomyopathy 19. Last evaluated: 2025-02-05. Review status: criteria provided, single submitter. Criteria: Invitae Variant Classification Sherloc (09022015). Collection method: clinical testing. Allele origin: germline.
Comment: This sequence change replaces leucine, which is neutral and non-polar, with proline, which is neutral and non-polar, at codon 384 of the CALR3 protein (p.Leu384Pro). This variant is present in population databases (no rsID available, gnomAD no frequency). This variant has not been reported in the literature in individuals affected with CALR3-related conditions. An algorithm developed to predict the effect of missense changes on protein structure and function (PolyPhen-2) suggests that this variant is likely to be disruptive. In summary, the available evidence is currently insufficient to determine the role of this variant in disease. Therefore, it has been classified as a Variant of Uncertain Significance.

NM_145046.5(CALR3):c.1151T>C (p.Leu384Pro)

Gene: CALR3 (calreticulin 3; minus strand). Cytogenetic location: 19p13.11.
Variant type: single nucleotide variant.
Coding change: c.1151T>C on transcript NM_145046.5 (MANE Select); coding-DNA position 1151, T replaced by C.
Protein change: p.Leu384Pro; replaces leucine 384 with proline.
Molecular consequence: missense variant.
Genome position (GRCh38, 1-based): chr19:16,479,135, A>G on the plus strand (T>C on the coding strand, the complement: CALR3 is on the minus strand). VCF-style: chr19-16479135-A-G. GRCh37 (hg19) VCF-style: chr19-16589946-A-G.
Other names: short protein forms L384P.
Identifiers: ClinVar variation 3676188 (VCV003676188.2).